The following is an entry in ClinVar:

NM_001184900.3(CARD8):c.1161G>T (p.Lys387Asn)

Gene: CARD8 (caspase recruitment domain family member 8; minus strand). Cytogenetic location: 19q13.33.
Variant type: single nucleotide variant.
Coding change: c.1161G>T on transcript NM_001184900.3 (MANE Select); coding-DNA position 1161, G replaced by T.
Protein change: p.Lys387Asn; replaces lysine 387 with asparagine.
Molecular consequence: missense variant. On other transcripts: non-coding transcript variant (3).
Genome position (GRCh38, 1-based): chr19:48,221,730, C>A on the plus strand (G>T on the coding strand, the complement: CARD8 is on the minus strand). VCF-style: chr19-48221730-C-A. GRCh37 (hg19) VCF-style: chr19-48724987-C-A.
Other names: c.1011G>T, p.Lys337Asn (NM_001184901.1, NM_001351783.2, NM_001351788.2 and 2 more transcripts); c.1161G>T, p.Lys387Asn (NM_001184902.2, NM_001184903.1, NM_001351782.2); c.846G>T, p.Lys282Asn (NM_001351784.2, NM_001351787.2, NM_001351791.2 and 1 more transcripts); c.825G>T, p.Lys275Asn (NM_001351786.2); c.918G>T, p.Lys306Asn (NM_001351790.2); c.843G>T, p.Lys281Asn (NM_001365950.1); c.336G>T, p.Lys112Asn (NM_001426741.1); short protein forms K112N, K306N, K337N, K275N, K281N, K282N, K387N.
Identifiers: ClinVar variation 2990635 (VCV002990635.3), dbSNP rs2040671668, ClinGen allele CA406665148.

ClinVar aggregate classification (germline): Uncertain significance (1 of 4 stars; one submission).

Allele frequency attached by ClinVar (database versions not stated): gnomAD exomes below 0.00001; TOPMed below 0.00001.
gnomAD v4.1: 1 of 1,578,058 alleles (0.000063%); highest among the groups gnomAD compares: Non-Finnish European, 0.000086%; no homozygotes.

Submission:

Labcorp Genetics (formerly Invitae), Labcorp
Classification: Uncertain significance. Last evaluated: 2025-08-18. Review status: criteria provided, single submitter. Criteria: Invitae Variant Classification Sherloc (09022015). Collection method: clinical testing. Allele origin: germline.
Comment: This sequence change replaces lysine, which is basic and polar, with asparagine, which is neutral and polar, at codon 337 of the CARD8 protein (p.Lys337Asn). This variant also falls at the last nucleotide of exon 9, which is part of the consensus splice site for this exon. This variant is not present in population databases (gnomAD no frequency). This variant has not been reported in the literature in individuals affected with CARD8-related conditions. ClinVar contains an entry for this variant (Variation ID: 2990635). An algorithm developed to predict the effect of missense changes on protein structure and function (PolyPhen-2) suggests that this variant is likely to be tolerated. Variants that disrupt the consensus splice site are a relatively common cause of aberrant splicing (PMID: 17576681, 9536098). Algorithms developed to predict the effect of sequence changes on RNA splicing suggest that this variant may disrupt the consensus splice site. In summary, the available evidence is currently insufficient to determine the role of this variant in disease. Therefore, it has been classified as a Variant of Uncertain Significance.

Literature cited by the submitters: PubMed 17576681; PubMed 9536098.